The following is an entry in ClinVar:

NM_000540.3(RYR1):c.6482A>T (p.Gln2161Leu)

Gene: RYR1 (ryanodine receptor 1; plus strand). Cytogenetic location: 19q13.2.
Variant type: single nucleotide variant.
Coding change: c.6482A>T on transcript NM_000540.3 (MANE Select); coding-DNA position 6482, A replaced by T.
Protein change: p.Gln2161Leu; replaces glutamine 2161 with leucine.
Molecular consequence: missense variant.
Genome position (GRCh38, 1-based): chr19:38,494,559, A>T. VCF-style: chr19-38494559-A-T. GRCh37 (hg19) VCF-style: chr19-38985199-A-T.
Other names: c.6482A>T, p.Gln2161Leu (NM_001042723.2); short protein forms Q2161L.
Identifiers: ClinVar variation 3073580 (VCV003073580.1), dbSNP rs1969716298, ClinGen allele CA405664275.

ClinVar aggregate classification (germline): Uncertain significance (1 of 4 stars; one submission).

Conditions:
Malignant hyperthermia, susceptibility to, 1 (MHS1). Also called: Anesthesia related hyperthermia; Malignant hyperpyrexia; Fulminating hyperpyrexia; Pharmacogenic myopathy; RYR1-Related Malignant Hyperthermia Susceptibility; Malignant hyperthermia suceptibility 1. Identifiers: Orphanet 423, MedGen C2930980, MONDO:0007783, OMIM 145600.

Allele frequency attached by ClinVar (database versions not stated): gnomAD exomes below 0.00001; TOPMed below 0.00001.
gnomAD v4.1: 4 of 1,614,122 alleles (0.00025%); highest among the groups gnomAD compares: Non-Finnish European, 0.00034%; no homozygotes.

Submission:

All of Us Research Program, National Institutes of Health
Classification: Uncertain significance for Malignant hyperthermia, susceptibility to, 1. Last evaluated: 2023-10-02. Review status: criteria provided, single submitter. Criteria: ACMG Guidelines, 2015. Collection method: clinical testing. Allele origin: germline. Inheritance: Autosomal dominant inheritance. Observed: 1 variant allele, 1 heterozygote.
Comment: This missense variant replaces glutamine with leucine at codon 2161 of the RYR1 protein. Computational prediction suggests that this variant may have deleterious impact on protein structure and function (internally defined REVEL score threshold >= 0.7, PMID: 27666373). To our knowledge, functional studies have not been reported for this variant. This variant has not been reported in individuals affected with RYR1-related disorders in the literature. This variant has not been identified in the general population by the Genome Aggregation Database (gnomAD). The available evidence is insufficient to determine the role of this variant in disease conclusively. Therefore, this variant is classified as a Variant of Uncertain Significance.

This study involves interpretation of variants in research participants for the purpose of population health screening. Participant phenotype was not available at the time of variant classification. Additional details can be found in publication PMID: 35346344, PMCID: PMC8962531